The following is an entry in ClinVar:

ClinVar aggregate classification (germline): Uncertain significance (1 of 4 stars; one submission).

Submission:

GeneDx
Classification: Uncertain significance. Last evaluated: 2026-03-19. Review status: criteria provided, single submitter. Criteria: GeneDx Variant Classification Process June 2021. Collection method: clinical testing. Allele origin: germline.
Comment: Not observed at significant frequency in large population cohorts (gnomAD); In silico analysis supports that this missense variant has a deleterious effect on protein structure/function; Has not been previously published as pathogenic or benign to our knowledge

NM_001367916.1(MAGT1):c.236C>T (p.Thr79Ile)

Gene: MAGT1 (magnesium transporter 1; minus strand). Cytogenetic location: Xq21.1.
Variant type: single nucleotide variant.
Coding change: c.236C>T on transcript NM_001367916.1 (MANE Select); coding-DNA position 236, C replaced by T.
Protein change: p.Thr79Ile; replaces threonine 79 with isoleucine.
Molecular consequence: missense variant.
Genome position (GRCh38, 1-based): chrX:77,875,464, G>A on the plus strand (C>T on the coding strand, the complement: MAGT1 is on the minus strand). VCF-style: chrX-77875464-G-A. GRCh37 (hg19) VCF-style: chrX-77130961-G-A.
Other names: c.332C>T, p.Thr111Ile (NM_032121.5); short protein forms T111I, T79I.
Identifiers: ClinVar variation 5009416 (VCV005009416.1).
Genomic context (GRCh38, chrX:77,875,464, plus strand): 5'-TTAAAGCGTAGTTGGAGTTCATACTTGCAAACGACACACTGTCTATGCAGTTGGAGAGCA[G>A]TGAACATGACGATAACGGAGTAATTTCTCGGTGGGGCTTTCACAAGGCGACGGAACTTGT-3'
Protein context (NP_001354845.1, residues 69-89): PRNYSVIVMF[Thr79Ile]ALQLHRQCVV